The following is an entry in ClinVar:

ClinVar aggregate classification (germline): Likely benign (1 of 4 stars; one submission).

Allele frequency attached by ClinVar (database versions not stated): gnomAD exomes 0.00124; gnomAD 0.01201; TOPMed 0.01362; 1000 Genomes Project 0.01538.

Submission:

GeneDx
Classification: Likely benign. Last evaluated: 2019-06-17. Review status: criteria provided, single submitter. Criteria: GeneDx Variant Classification Process June 2021. Collection method: clinical testing. Allele origin: germline. Affected: yes.
Comment: See Variant Classification Assertion Criteria.

NM_015352.2(POFUT1):c.542+432del

Gene: POFUT1 (protein O-fucosyltransferase 1; plus strand). Cytogenetic location: 20q11.21.
Variant type: Deletion.
Coding change: c.542+432del on transcript NM_015352.2 (MANE Select); 432 bases into the intron after coding-DNA position 542, one base deleted (T; older notation c.542+432delT).
Molecular consequence: intron variant. On other transcripts: 3 prime UTR variant (1).
Genome position (GRCh38, 1-based): chr20:32,217,153, T deleted. VCF-style (leftmost placement, unchanged base first): chr20-32217152-CT-C. GRCh37 (hg19) VCF-style: chr20-30804955-CT-C.
Other names: c.*103del (NM_172236.2).
Identifiers: ClinVar variation 1707126 (VCV001707126.2), dbSNP rs200566139, ClinGen allele CA313882795.